The following is an entry in ClinVar:

NM_005188.4(CBL):c.1348G>T (p.Ala450Ser)

Gene: CBL (Cbl proto-oncogene; plus strand). Cytogenetic location: 11q23.3.
Variant type: single nucleotide variant.
Coding change: c.1348G>T on transcript NM_005188.4 (MANE Select); coding-DNA position 1348, G replaced by T.
Protein change: p.Ala450Ser; replaces alanine 450 with serine.
Molecular consequence: missense variant.
Genome position (GRCh38, 1-based): chr11:119,278,630, G>T. VCF-style: chr11-119278630-G-T. GRCh37 (hg19) VCF-style: chr11-119149340-G-T.
Other names: short protein forms A450S.
Identifiers: ClinVar variation 3827829 (VCV003827829.1).

ClinVar aggregate classification (germline): Uncertain significance (1 of 4 stars; one submission).

Conditions:
Cardiovascular phenotype. Identifiers: MedGen CN230736.

Submission:

Ambry Genetics
Classification: Uncertain significance for Cardiovascular phenotype. Last evaluated: 2025-01-31. Review status: criteria provided, single submitter. Criteria: Ambry Variant Classification Scheme 2023. Collection method: clinical testing. Allele origin: germline.
Comment: The p.A450S variant (also known as c.1348G>T), located in coding exon 9 of the CBL gene, results from a G to T substitution at nucleotide position 1348. The alanine at codon 450 is replaced by serine, an amino acid with similar properties. This amino acid position is conserved. In addition, this alteration is predicted to be tolerated by in silico analysis. Based on the available evidence, the clinical significance of this variant remains unclear.